The following is an entry in ClinVar:

NM_173076.3(ABCA12):c.6118-6C>T

Genes: ABCA12 (ATP binding cassette subfamily A member 12; minus strand), SNHG31 (small nucleolar RNA host gene 31; plus strand). Cytogenetic location: 2q35.
Variant type: single nucleotide variant.
Coding change: c.6118-6C>T on transcript NM_173076.3 (MANE Select); 6 bases into the intron before coding-DNA position 6118, C replaced by T.
Molecular consequence: intron variant.
Genome position (GRCh38, 1-based): chr2:214,956,784, G>A on the plus strand (C>T on the coding strand, the complement: ABCA12 is on the minus strand). VCF-style: chr2-214956784-G-A. GRCh37 (hg19) VCF-style: chr2-215821508-G-A.
Other names: c.5164-6C>T (NM_015657.4); c.6118-6C>T (NM_173076.2).
Identifiers: ClinVar variation 2728966 (VCV002728966.5), dbSNP rs181559226, ClinGen allele CA2090990.

ClinVar aggregate classification (germline): Likely benign. Review status: criteria provided, single submitter (1 of 4 stars). 2 submissions from 2 submitters: Likely benign (1). 1 of the submissions does not count toward it. Last evaluated 2024-01-10.

Conditions:
ABCA12-related disorder. Also called: ABCA12-related condition.

Allele frequency attached by ClinVar (database versions not stated): ExAC 0.00003; gnomAD 0.00003; 1000 Genomes Project 30x 0.00031; 1000 Genomes Project 0.00040.
gnomAD v4.1: 46 of 1,584,210 alleles (0.0029%); highest among the groups gnomAD compares: Admixed American, 0.054%; no homozygotes.

Submissions (2):

Labcorp Genetics (formerly Invitae), Labcorp
Classification: Likely benign. Last evaluated: 2024-01-10. Review status: criteria provided, single submitter. Criteria: Invitae Variant Classification Sherloc (09022015). Collection method: clinical testing. Allele origin: germline.

PreventionGenetics, part of Exact Sciences
Classification: Likely benign for ABCA12-related condition. Last evaluated: 2020-03-25. Review status: no assertion criteria provided. Collection method: clinical testing. Allele origin: germline. Not counted in ClinVar's aggregate classification.
Comment: This variant is classified as likely benign based on ACMG/AMP sequence variant interpretation guidelines (Richards et al. 2015 PMID: 25741868, with internal and published modifications).